The following is an entry in ClinVar:

ClinVar aggregate classification (germline): Conflicting classifications of pathogenicity. Review status: criteria provided, conflicting classifications (1 of 4 stars). 2 submissions from 2 submitters: Likely pathogenic (1); Uncertain significance (1). Last evaluated 2023-08-24.

Conditions:
Peutz-Jeghers syndrome (PJS). Also called: POLYPOSIS, HAMARTOMATOUS INTESTINAL; POLYPS-AND-SPOTS SYNDROME; Peutz-Jeghers polyposis; Periorificial lentiginosis syndrome. Identifiers: Orphanet 2869, MedGen C0031269, MeSH D010580, MONDO:0008280, OMIM 175200.

Submissions (2):

Labcorp Genetics (formerly Invitae), Labcorp
Classification: Likely pathogenic for Peutz-Jeghers syndrome. Last evaluated: 2023-08-24. Review status: criteria provided, single submitter. Criteria: Invitae Variant Classification Sherloc (09022015). Collection method: clinical testing. Allele origin: germline.
Comment: In summary, the currently available evidence indicates that the variant is pathogenic, but additional data are needed to prove that conclusively. Therefore, this variant has been classified as Likely Pathogenic. This variant disrupts the p.Cys132 amino acid residue in STK11. Other variant(s) that disrupt this residue have been observed in individuals with STK11-related conditions (Invitae), which suggests that this may be a clinically significant amino acid residue. Algorithms developed to predict the effect of sequence changes on RNA splicing suggest that this variant may disrupt the consensus splice site. Advanced modeling of protein sequence and biophysical properties (such as structural, functional, and spatial information, amino acid conservation, physicochemical variation, residue mobility, and thermodynamic stability) performed at Invitae indicates that this missense variant is expected to disrupt STK11 protein function. ClinVar contains an entry for this variant (Variation ID: 846549). This missense change has been observed in individuals with Peutz-Jeghers syndrome (PMID: 32462036; Invitae). This variant is not present in population databases (gnomAD no frequency). This sequence change replaces cysteine, which is neutral and slightly polar, with tryptophan, which is neutral and slightly polar, at codon 132 of the STK11 protein (p.Cys132Trp).

Quest Diagnostics Nichols Institute San Juan Capistrano
Classification: Uncertain significance. Last evaluated: 2023-06-05. Review status: criteria provided, single submitter. Criteria: Quest Diagnostics criteria. Collection method: clinical testing. Allele origin: unknown.
Comment: In the published literature, this variant has been reported in an individual with Peutz-Jeghers syndrome (PJS) (PMID: 32462036 (2020)). The frequency of this variant in the general population, 0.000013 (2/151442 chromosomes (Genome Aggregation Database)), is uninformative in the assessment of its pathogenicity. Analysis of this variant using bioinformatics tools for the prediction of the effect of amino acid changes on protein structure and function yielded predictions that this variant is damaging. Based on the available information, we are unable to determine the clinical significance of this variant.

Literature cited by the submitters: PubMed 32462036 (cited by Labcorp Genetics (formerly Invitae), Labcorp and Quest Diagnostics Nichols Institute San Juan Capistrano).

NM_000455.5(STK11):c.396C>G (p.Cys132Trp)

Gene: STK11 (serine/threonine kinase 11; plus strand). Cytogenetic location: 19p13.3.
Variant type: single nucleotide variant.
Coding change: c.396C>G on transcript NM_000455.5 (MANE Select); coding-DNA position 396, C replaced by G.
Protein change: p.Cys132Trp; replaces cysteine 132 with tryptophan.
Molecular consequence: missense variant.
Genome position (GRCh38, 1-based): chr19:1,219,345, C>G. VCF-style: chr19-1219345-C-G. GRCh37 (hg19) VCF-style: chr19-1219344-C-G.
Other names: short protein forms C132W.
Identifiers: ClinVar variation 846549 (VCV000846549.10), dbSNP rs730881969, ClinGen allele CA402948163.